The following is an entry in ClinVar:

ClinVar aggregate classification (germline): Uncertain significance (1 of 4 stars; one submission).

Conditions:
Acute myeloid leukemia (AML). Also called: Acute myeloid leukemia, adult; AML adult; Acute non-lymphocytic leukemia; Acute granulocytic leukemia; Leukemia, acute myeloid, somatic; Leukemia, acute myelogenous, somatic. Identifiers: Orphanet 519, MedGen C0023467, MeSH D015470, MONDO:0018874, OMIM 601626, HP:0004808. Disease mechanism: Constitutively activated FLT3.

Submission:

Labcorp Genetics (formerly Invitae), Labcorp
Classification: Uncertain significance for Acute myeloid leukemia. Last evaluated: 2024-06-25. Review status: criteria provided, single submitter. Criteria: Invitae Variant Classification Sherloc (09022015). Collection method: clinical testing. Allele origin: germline.
Comment: This sequence change replaces glutamic acid, which is acidic and polar, with glycine, which is neutral and non-polar, at codon 148 of the CEBPA protein (p.Glu148Gly). The frequency data for this variant in the population databases is considered unreliable, as metrics indicate insufficient coverage at this position in the gnomAD database. This variant has not been reported in the literature in individuals affected with CEBPA-related conditions. Advanced modeling of protein sequence and biophysical properties (such as structural, functional, and spatial information, amino acid conservation, physicochemical variation, residue mobility, and thermodynamic stability) performed at Invitae indicates that this missense variant is not expected to disrupt CEBPA protein function with a negative predictive value of 80%. In summary, the available evidence is currently insufficient to determine the role of this variant in disease. Therefore, it has been classified as a Variant of Uncertain Significance.

NM_004364.5(CEBPA):c.443A>G (p.Glu148Gly)

Gene: CEBPA (CCAAT enhancer binding protein alpha; minus strand). Cytogenetic location: 19q13.11.
Variant type: single nucleotide variant.
Coding change: c.443A>G on transcript NM_004364.5 (MANE Select); coding-DNA position 443, A replaced by G.
Protein change: p.Glu148Gly; replaces glutamic acid 148 with glycine.
Molecular consequence: missense variant.
Genome position (GRCh38, 1-based): chr19:33,301,972, T>C on the plus strand (A>G on the coding strand, the complement: CEBPA is on the minus strand). VCF-style: chr19-33301972-T-C. GRCh37 (hg19) VCF-style: chr19-33792878-T-C.
Other names: c.86A>G, p.Glu29Gly (NM_001285829.2); c.548A>G, p.Glu183Gly (NM_001287424.2); c.401A>G, p.Glu134Gly (NM_001287435.2); short protein forms E148G, E29G, E134G, E183G.
Identifiers: ClinVar variation 3657737 (VCV003657737.2).